The following is an entry in ClinVar:

NM_006516.4(SLC2A1):c.26C>T (p.Thr9Met)

Gene: SLC2A1 (solute carrier family 2 member 1; minus strand). Cytogenetic location: 1p34.2.
Variant type: single nucleotide variant.
Coding change: c.26C>T on transcript NM_006516.4 (MANE Select); coding-DNA position 26, C replaced by T.
Protein change: p.Thr9Met; replaces threonine 9 with methionine.
Molecular consequence: missense variant.
Genome position (GRCh38, 1-based): chr1:42,943,314, G>A on the plus strand (C>T on the coding strand, the complement: SLC2A1 is on the minus strand). VCF-style: chr1-42943314-G-A. GRCh37 (hg19) VCF-style: chr1-43408985-G-A.
Other names: short protein forms T9M.
Identifiers: ClinVar variation 656374 (VCV000656374.15), dbSNP rs1570601100, ClinGen allele CA339964905.

ClinVar aggregate classification (germline): Conflicting classifications of pathogenicity. Review status: criteria provided, conflicting classifications (1 of 4 stars). 9 submissions from 5 submitters: Pathogenic (1); Likely pathogenic (1); Uncertain significance (7). Last evaluated 2026-10-20.

Conditions:
Inborn genetic diseases. Identifiers: MedGen C0950123, MeSH D030342.
Hereditary cryohydrocytosis with reduced stomatin. Also called: Stomatin-deficient cryohydrocytosis with neurologic defects; GLUT1 DEFICIENCY SYNDROME WITH PSEUDOHYPERKALEMIA AND HEMOLYSIS. Identifiers: Orphanet 168577, MedGen C1837206, MONDO:0012143, OMIM 608885.
Encephalopathy due to GLUT1 deficiency. Also called: Glucose transporter protein syndrome; GLUT1 deficiency syndrome 1; Classic Glucose Transporter Type 1 Deficiency Syndrome; De Vivo disease; GLUCOSE TRANSPORT DEFECT, BLOOD-BRAIN BARRIER; GLUT1 deficiency syndrome 1, infantile onset, severe. Identifiers: Orphanet 71277, MedGen C4551966, MONDO:0011724, OMIM 606777.
SLC2A1-related disorder. Also called: SLC2A1-related disorders; SLC2A1-related condition.
Dystonia 9 (DYT9). Also called: CHOREOATHETOSIS, KINESIGENIC, WITH EPISODIC ATAXIA AND SPASTICITY. Identifiers: Orphanet 53583, MedGen C1832855, MONDO:0010983, OMIM 601042.
Epilepsy, idiopathic generalized, susceptibility to, 12 (EIG12). Identifiers: MedGen C3553859, MONDO:0013919, OMIM 614847.
GLUT1 deficiency syndrome 1, autosomal recessive. Identifiers: MedGen C3149117.
Childhood onset GLUT1 deficiency syndrome 2. Also called: Paroxysmal exercise-induced dystonia; PxMD-SLC2A1; Exertion-induced paroxysmal dyskinesia; PAROXYSMAL EXERCISE-INDUCED DYSKINESIA WITH OR WITHOUT EPILEPSY AND/OR HEMOLYTIC ANEMIA; PAROXYSMAL EXERTION-INDUCED DYSTONIA WITH OR WITHOUT EPILEPSY AND/OR HEMOLYTIC ANEMIA; PED WITH OR WITHOUT EPILEPSY AND/OR HEMOLYTIC ANEMIA. Identifiers: Orphanet 98811, MedGen C1842534, MONDO:0012805, OMIM 612126.

Allele frequency attached by ClinVar (database versions not stated): gnomAD exomes below 0.00001.
gnomAD v4.1: 1 of 1,613,046 alleles (0.000062%); highest among the groups gnomAD compares: South Asian, 0.0011%; no homozygotes.

Submissions (9):

GeneDx
Classification: Uncertain significance. Last evaluated: 2026-10-20. Review status: criteria provided, single submitter. Criteria: GeneDx Variant Classification Process June 2021. Collection method: clinical testing. Allele origin: germline.
Comment: Reported in at least two individuals with glucose transporter type 1 deficiency syndrome (Glut1-DS) presenting with generalized epilepsy and absence seizures in the published literature, but it is unknown whether these individuals were tested for variants in other genes associated with epilepsy and absence seizures (PMID: 30895386, 30714351, 28961260, 36362347, 37293674, 36153584); Reported in a patient with paroxysmal dyskinesia, but it is unknown whether this individual was tested for variants in other genes associated with paroxysmal dyskinesia (PMID: 36088537); Not observed at significant frequency in large population cohorts (gnomAD); In silico analysis supports that this missense variant has a deleterious effect on protein structure/function; This variant is associated with the following publications: (PMID: 36088537, 30895386, 36362347, 28961260, 30714351, 36153584, 37293674)

Labcorp Genetics (formerly Invitae), Labcorp
Classification: Pathogenic for GLUT1 deficiency syndrome 1, autosomal recessive. Last evaluated: 2025-09-15. Review status: criteria provided, single submitter. Criteria: Invitae Variant Classification Sherloc (09022015). Collection method: clinical testing. Allele origin: germline.
Comment: This sequence change replaces threonine, which is neutral and polar, with methionine, which is neutral and non-polar, at codon 9 of the SLC2A1 protein (p.Thr9Met). This variant is not present in population databases (gnomAD no frequency). This missense change has been observed in individual(s) with clinical features of GLUT1-deficiency syndrome (PMID: 28961260, 30895386, 36088537; internal data). In at least one individual the variant was observed to be de novo. ClinVar contains an entry for this variant (Variation ID: 656374). Invitae Evidence Modeling of protein sequence and biophysical properties (such as structural, functional, and spatial information, amino acid conservation, physicochemical variation, residue mobility, and thermodynamic stability) indicates that this missense variant is expected to disrupt SLC2A1 protein function with a positive predictive value of 95%. For these reasons, this variant has been classified as Pathogenic.

Ambry Genetics
Classification: Uncertain significance for Inborn genetic diseases. Last evaluated: 2023-11-01. Review status: criteria provided, single submitter. Criteria: Ambry Variant Classification Scheme 2023. Collection method: clinical testing. Allele origin: germline.

Genome-Nilou Lab
Classification: Uncertain significance for Epilepsy, idiopathic generalized, susceptibility to, 12. Last evaluated: 2023-04-11. Review status: criteria provided, single submitter. Criteria: ACMG Guidelines, 2015. Collection method: clinical testing. Allele origin: germline. Affected: no.

Genome-Nilou Lab
Classification: Uncertain significance for Dystonia 9. Last evaluated: 2023-04-11. Review status: criteria provided, single submitter. Criteria: ACMG Guidelines, 2015. Collection method: clinical testing. Allele origin: germline. Affected: no.

Genome-Nilou Lab
Classification: Uncertain significance for Encephalopathy due to GLUT1 deficiency. Last evaluated: 2023-04-11. Review status: criteria provided, single submitter. Criteria: ACMG Guidelines, 2015. Collection method: clinical testing. Allele origin: germline. Affected: no.

Genome-Nilou Lab
Classification: Uncertain significance for Childhood onset GLUT1 deficiency syndrome 2. Last evaluated: 2023-04-11. Review status: criteria provided, single submitter. Criteria: ACMG Guidelines, 2015. Collection method: clinical testing. Allele origin: germline. Affected: no.

Genome-Nilou Lab
Classification: Uncertain significance for Hereditary cryohydrocytosis with reduced stomatin. Last evaluated: 2023-04-11. Review status: criteria provided, single submitter. Criteria: ACMG Guidelines, 2015. Collection method: clinical testing. Allele origin: germline. Affected: no.

Blueprint Genetics
Classification: Likely pathogenic for SLC2A1-related disorders. Last evaluated: 2021-06-28. Review status: criteria provided, single submitter. Criteria: ACMG Guidelines, 2015. Collection method: clinical testing. Allele origin: germline. Affected: yes. Observed: 1 variant allele.

Literature cited by the submitters: PubMed 28961260 (cited by Labcorp Genetics (formerly Invitae), Labcorp and Ambry Genetics); PubMed 30895386 (cited by Labcorp Genetics (formerly Invitae), Labcorp and Ambry Genetics); PubMed 36088537 (cited by Labcorp Genetics (formerly Invitae), Labcorp); PubMed 30714351 (cited by Ambry Genetics); PubMed 32404902 (cited by Ambry Genetics); PubMed 36153584 (cited by Ambry Genetics); PubMed 36362347 (cited by Ambry Genetics); PubMed 37293674 (cited by Ambry Genetics).